The following is an entry in ClinVar:

ClinVar aggregate classification (germline): Uncertain significance (1 of 4 stars; one submission).

Allele frequency attached by ClinVar (database versions not stated): TOPMed below 0.00001.

Submission:

Ambry Genetics
Classification: Uncertain significance. Last evaluated: 2021-09-30. Review status: criteria provided, single submitter. Criteria: Ambry Variant Classification Scheme 2023. Collection method: clinical testing. Allele origin: germline.
Comment: The p.K135E variant (also known as c.403A>G) is located in coding exon 3 of the MNDA gene. The lysine at codon 135 is replaced by glutamic acid, an amino acid with similar properties. This change occurs in the first base pair of coding exon 3. This amino acid position is conserved. In addition, this alteration is predicted to be tolerated by in silico analysis. Since supporting evidence is limited at this time, the clinical significance of this alteration remains unclear.

NM_002432.3(MNDA):c.403A>G (p.Lys135Glu)

Gene: MNDA (myeloid cell nuclear differentiation antigen; plus strand). Cytogenetic location: 1q23.1.
Variant type: single nucleotide variant.
Coding change: c.403A>G on transcript NM_002432.3 (MANE Select); coding-DNA position 403, A replaced by G.
Protein change: p.Lys135Glu; replaces lysine 135 with glutamic acid.
Molecular consequence: missense variant.
Genome position (GRCh38, 1-based): chr1:158,843,955, A>G. VCF-style: chr1-158843955-A-G. GRCh37 (hg19) VCF-style: chr1-158813745-A-G.
Other names: short protein forms K135E.
Identifiers: ClinVar variation 1737262 (VCV001737262.2), dbSNP rs904066012, ClinGen allele CA31304159.